The following is an entry in ClinVar:

ClinVar aggregate classification (germline): Uncertain significance (1 of 4 stars; one submission).

gnomAD v4.1: 11 of 1,614,224 alleles (0.00068%); highest among the groups gnomAD compares: South Asian, 0.0011%; no homozygotes.

Submission:

Labcorp Genetics (formerly Invitae), Labcorp
Classification: Uncertain significance. Last evaluated: 2024-02-09. Review status: criteria provided, single submitter. Criteria: Invitae Variant Classification Sherloc (09022015). Collection method: clinical testing. Allele origin: germline.
Comment: This sequence change replaces aspartic acid, which is acidic and polar, with valine, which is neutral and non-polar, at codon 56 of the NDUFB9 protein (p.Asp56Val). This variant is not present in population databases (gnomAD no frequency). This variant has not been reported in the literature in individuals affected with NDUFB9-related conditions. An algorithm developed to predict the effect of missense changes on protein structure and function (PolyPhen-2) suggests that this variant is likely to be disruptive. In summary, the available evidence is currently insufficient to determine the role of this variant in disease. Therefore, it has been classified as a Variant of Uncertain Significance.

NM_005005.3(NDUFB9):c.167A>T (p.Asp56Val)

Gene: NDUFB9 (NADH:ubiquinone oxidoreductase subunit B9; plus strand). Cytogenetic location: 8q24.13.
Variant type: single nucleotide variant.
Coding change: c.167A>T on transcript NM_005005.3 (MANE Select); coding-DNA position 167, A replaced by T.
Protein change: p.Asp56Val; replaces aspartic acid 56 with valine.
Molecular consequence: missense variant. On other transcripts: 5 prime UTR variant (1).
Genome position (GRCh38, 1-based): chr8:124,543,152, A>T. VCF-style: chr8-124543152-A-T. GRCh37 (hg19) VCF-style: chr8-125555393-A-T.
Other names: c.-2A>T (NM_001278645.2); c.38A>T, p.Asp13Val (NM_001278646.2); c.134A>T, p.Asp45Val (NM_001311168.2); short protein forms D56V, D13V, D45V.
Identifiers: ClinVar variation 2715484 (VCV002715484.3), dbSNP rs769151839, ClinGen allele CA372172475.
Genomic context (GRCh38, chr8:124,543,152, plus strand): 5'-AATACCGATACTTTGCTTGTTTGATGAGAGCCCGGTTTGAAGAACATAAGAATGAAAAGG[A>T]TATGGCGAAGGCCACCCAGCTGCTGAAGGAGGCCGAGGAAGAATTCTGGTACCGTCAGCA-3'
Protein context (NP_004996.1, residues 46-66): ARFEEHKNEK[Asp56Val]MAKATQLLKE